The following is an entry in ClinVar:

ClinVar aggregate classification (germline): Uncertain significance (1 of 4 stars; one submission).

Conditions:
OPTN-related disorder. Also called: OPTN-related disorders; OPTN-related condition.

Submission:

PreventionGenetics, part of Exact Sciences
Classification: Uncertain significance for OPTN-related condition. Last evaluated: 2025-06-11. Review status: criteria provided, single submitter. Criteria: ACMG Guidelines, 2015. Collection method: clinical testing. Allele origin: germline.
Comment: The OPTN c.1420G>T variant is predicted to result in the amino acid substitution p.Asp474Tyr. To our knowledge, this variant has not been reported in the literature or in a large population database (gnomAD), indicating this variant is rare. At this time, the clinical significance of this variant is uncertain due to the absence of conclusive functional and genetic evidence.

NM_001008212.2(OPTN):c.1420G>T (p.Asp474Tyr)

Gene: OPTN (optineurin; plus strand). Cytogenetic location: 10p13.
Variant type: single nucleotide variant.
Coding change: c.1420G>T on transcript NM_001008212.2 (MANE Select); coding-DNA position 1420, G replaced by T.
Protein change: p.Asp474Tyr; replaces aspartic acid 474 with tyrosine.
Molecular consequence: missense variant.
Genome position (GRCh38, 1-based): chr10:13,132,085, G>T. VCF-style: chr10-13132085-G-T. GRCh37 (hg19) VCF-style: chr10-13174085-G-T.
Other names: c.1420G>T, p.Asp474Tyr (NM_001008211.1, NM_001008213.1, NM_021980.4); short protein forms D474Y.
Identifiers: ClinVar variation 4988451 (VCV004988451.1).